The following is an entry in ClinVar:

NM_000548.5(TSC2):c.554A>C (p.Lys185Thr)

Gene: TSC2 (TSC complex subunit 2; plus strand). Cytogenetic location: 16p13.3.
Variant type: single nucleotide variant.
Coding change: c.554A>C on transcript NM_000548.5 (MANE Select); coding-DNA position 554, A replaced by C.
Protein change: p.Lys185Thr; replaces lysine 185 with threonine.
Molecular consequence: missense variant. On other transcripts: intron variant (1).
Genome position (GRCh38, 1-based): chr16:2,055,474, A>C. VCF-style: chr16-2055474-A-C. GRCh37 (hg19) VCF-style: chr16-2105475-A-C.
Other names: c.554A>C, p.Lys185Thr (NM_001077183.3, NM_001114382.3, NM_001363528.2 and 3 more transcripts); c.443A>C, p.Lys148Thr (NM_001318827.2); c.407A>C, p.Lys136Thr (NM_001318829.2); c.587A>C, p.Lys196Thr (NM_001318832.2); c.554A>C (NM_000548.3); c.-1-722A>C (NM_001318831.2); short protein forms K148T, K136T, K196T, K185T.
Identifiers: ClinVar variation 1416380 (VCV001416380.9), dbSNP rs2151060565, ClinGen allele CA394309525.
Genomic context (GRCh38, chr16:2,055,474, plus strand): 5'-TGCAGTGGATGGATGTTGGCTTGTCCTCGGAATTCCTTCTGGTGCTGGTGAACTTGGTCA[A>C]ATTCAATAGCTGTTACCTCGACGAGTACATCGCAAGGATGGTTCAGTAAGAAAAGAATTG-3'
Protein context (NP_000539.2, residues 175-195): EFLLVLVNLV[Lys185Thr]FNSCYLDEYI

ClinVar aggregate classification (germline): Uncertain significance. Review status: criteria provided, multiple submitters, no conflicts (2 of 4 stars). 3 submissions from 3 submitters: Uncertain significance (3). Last evaluated 2025-10-31.

Conditions:
Hereditary cancer-predisposing syndrome. Also called: Hereditary neoplastic syndrome; Neoplastic Syndromes, Hereditary; Hereditary Cancer Syndrome; Tumor predisposition. Identifiers: Orphanet 140162, MedGen C0027672, MeSH D009386, MONDO:0015356.
Tuberous sclerosis 2 (TSC2). Identifiers: Orphanet 805, MedGen C1860707, MONDO:0013199, OMIM 613254.

Submissions (3):

Labcorp Genetics (formerly Invitae), Labcorp
Classification: Uncertain significance for Tuberous sclerosis 2. Last evaluated: 2025-10-31. Review status: criteria provided, single submitter. Criteria: Invitae Variant Classification Sherloc (09022015). Collection method: clinical testing. Allele origin: germline.
Comment: This sequence change replaces lysine, which is basic and polar, with threonine, which is neutral and polar, at codon 185 of the TSC2 protein (p.Lys185Thr). This variant is not present in population databases (gnomAD no frequency). This variant has not been reported in the literature in individuals affected with TSC2-related conditions. ClinVar contains an entry for this variant (Variation ID: 1416380). Invitae Evidence Modeling of protein sequence and biophysical properties (such as structural, functional, and spatial information, amino acid conservation, physicochemical variation, residue mobility, and thermodynamic stability) indicates that this missense variant is not expected to disrupt TSC2 protein function with a negative predictive value of 95%. In summary, the available evidence is currently insufficient to determine the role of this variant in disease. Therefore, it has been classified as a Variant of Uncertain Significance.

Ambry Genetics
Classification: Uncertain significance for Hereditary cancer-predisposing syndrome. Last evaluated: 2024-03-05. Review status: criteria provided, single submitter. Criteria: Ambry Variant Classification Scheme 2023. Collection method: clinical testing. Allele origin: germline.
Comment: The p.K185T variant (also known as c.554A>C), located in coding exon 5 of the TSC2 gene, results from an A to C substitution at nucleotide position 554. The lysine at codon 185 is replaced by threonine, an amino acid with similar properties. This amino acid position is highly conserved in available vertebrate species. In addition, this alteration is predicted to be deleterious by in silico analysis. Based on the available evidence, the clinical significance of this alteration remains unclear.

GeneDx
Classification: Uncertain significance. Last evaluated: 2024-02-28. Review status: criteria provided, single submitter. Criteria: GeneDx Variant Classification Process June 2021. Collection method: clinical testing. Allele origin: germline. Affected: yes.
Comment: Not observed at significant frequency in large population cohorts (gnomAD); In silico analysis supports that this missense variant has a deleterious effect on protein structure/function; Has not been previously published as pathogenic or benign to our knowledge; This variant is associated with the following publications: (PMID: 18466115)